The following is an entry in ClinVar:

ClinVar aggregate classification (germline): Uncertain significance (1 of 4 stars; one submission).

Conditions:
Distal myopathy with posterior leg and anterior hand involvement. Also called: WILLIAMS DISTAL MYOPATHY. Identifiers: Orphanet 63273, MedGen C3279722, MONDO:0013550, OMIM 614065.
Hypertrophic cardiomyopathy 26. Also called: Cardiomyopathy, familial hypertrophic, 26. Identifiers: Orphanet 75249, MedGen C4310749, MONDO:0014883, OMIM 617047.
Myofibrillar myopathy 5. Also called: Filaminopathy (type); FILAMINOPATHY, AUTOSOMAL DOMINANT. Identifiers: Orphanet 171445, MedGen C1836050, MONDO:0012289, OMIM 609524.

Submission:

Labcorp Genetics (formerly Invitae), Labcorp
Classification: Uncertain significance for Distal myopathy with posterior leg and anterior hand involvement; Myofibrillar myopathy 5; Hypertrophic cardiomyopathy 26. Last evaluated: 2024-08-22. Review status: criteria provided, single submitter. Criteria: Invitae Variant Classification Sherloc (09022015). Collection method: clinical testing. Allele origin: germline.
Comment: This sequence change replaces alanine, which is neutral and non-polar, with aspartic acid, which is acidic and polar, at codon 2430 of the FLNC protein (p.Ala2430Asp). This variant is not present in population databases (gnomAD no frequency). This missense change has been observed in individual(s) with hypertrophic cardiomyopathy (internal data). Invitae Evidence Modeling of protein sequence and biophysical properties (such as structural, functional, and spatial information, amino acid conservation, physicochemical variation, residue mobility, and thermodynamic stability) indicates that this missense variant is not expected to disrupt FLNC protein function with a negative predictive value of 95%. In summary, the available evidence is currently insufficient to determine the role of this variant in disease. Therefore, it has been classified as a Variant of Uncertain Significance.

NM_001458.5(FLNC):c.7289C>A (p.Ala2430Asp)

Genes: FLNC (filamin C; plus strand), FLNC-AS1 (FLNC antisense RNA 1; minus strand). Cytogenetic location: 7q32.1.
Variant type: single nucleotide variant.
Coding change: c.7289C>A on transcript NM_001458.5 (MANE Select); coding-DNA position 7289, C replaced by A.
Protein change: p.Ala2430Asp; replaces alanine 2430 with aspartic acid.
Molecular consequence: missense variant.
Genome position (GRCh38, 1-based): chr7:128,856,555, C>A. VCF-style: chr7-128856555-C-A. GRCh37 (hg19) VCF-style: chr7-128496609-C-A.
Other names: c.7190C>A, p.Ala2397Asp (NM_001127487.2); short protein forms A2397D, A2430D.
Identifiers: ClinVar variation 3757096 (VCV003757096.2).
Genomic context (GRCh38, chr7:128,856,555, plus strand): 5'-AGCATCCTCCGTGGCCTTTGCAGGAGACGGGGCTCAAGGTGAACCAGCCAGCGTCCTTTG[C>A]CGTGCAGCTGAACGGTGCCCGGGGCGTGATTGATGCCCGGGTGCACACACCCTCGGGGGC-3'
Protein context (NP_001449.3, residues 2420-2440): GLKVNQPASF[Ala2430Asp]VQLNGARGVI